The following is an entry in ClinVar:

ClinVar aggregate classification (germline): Uncertain significance (1 of 4 stars; one submission).

Conditions:
Generalized epilepsy-paroxysmal dyskinesia syndrome (PNKD3). Also called: Generalized epilepsy and paroxysmal dyskinesia; Paroxysmal nonkinesigenic dyskinesia, 3, with or without generalized epilepsy. Identifiers: Orphanet 79137, MedGen C5574945, MONDO:0012276, OMIM 609446.

Submission:

Labcorp Genetics (formerly Invitae), Labcorp
Classification: Uncertain significance for Generalized epilepsy-paroxysmal dyskinesia syndrome. Last evaluated: 2024-04-24. Review status: criteria provided, single submitter. Criteria: Invitae Variant Classification Sherloc (09022015). Collection method: clinical testing. Allele origin: germline.
Comment: This variant, c.141_146dup, results in the insertion of 2 amino acid(s) of the KCNMA1 protein (p.Ser59_Ser60dup), but otherwise preserves the integrity of the reading frame. The frequency data for this variant in the population databases is considered unreliable, as metrics indicate poor data quality at this position in the gnomAD database. This variant has not been reported in the literature in individuals affected with KCNMA1-related conditions. In summary, the available evidence is currently insufficient to determine the role of this variant in disease. Therefore, it has been classified as a Variant of Uncertain Significance.

NM_001161352.2(KCNMA1):c.135CTCTTC[3] (p.Ser60_Val61insSerSer)

Gene: KCNMA1 (potassium calcium-activated channel subfamily M alpha 1; minus strand). Cytogenetic location: 10q22.3.
Variant type: Microsatellite.
Coding change: c.135CTCTTC[3] on transcript NM_001161352.2 (MANE Select); three copies in a row of the 6-base unit CTCTTC starting at c.135; the reference has two copies in a row; one copy, 6 bases duplicated.
Protein change: p.Ser60_Val61insSerSer.
Molecular consequence: inframe insertion. On other transcripts: inframe indel (1).
Genome position (GRCh38, 1-based): chr10:77,637,497-77,637,502, GAAGAG duplicated on the plus strand (CTCTTC on the coding strand, the reverse complement: KCNMA1 is on the minus strand); duplicating any 6 consecutive bases within chr10:77,637,497-77,637,510 gives the same sequence; the position shown is the placement nearest the transcript's 3' end. VCF-style (leftmost placement, unchanged base first): chr10-77637496-A-AGAAGAG. GRCh37 (hg19) VCF-style: chr10-79397254-A-AGAAGAG.
Other names: c.135CTCTTC[3], p.Ser60_Val61insSerSer (NM_001014797.3, NM_001161353.2, NM_001271518.2 and 12 more transcripts); c.133_138TCCTCT[3], p.Ser60_Val61insSerSer (NM_001410940.1).
Identifiers: ClinVar variation 1918197 (VCV001918197.5), dbSNP rs770298470, ClinGen allele CA5568798.